The following is an entry in ClinVar:

ClinVar aggregate classification (germline): Uncertain significance (1 of 4 stars; one submission).

Conditions:
Cardiomyopathy (CMYO). Also called: Cardiomyopathies. Identifiers: Orphanet 167848, MedGen C0878544, MONDO:0004994, HP:0001638. Inheritance: Various modes of inheritance.

Allele frequency attached by ClinVar (database versions not stated): gnomAD exomes below 0.00001.
gnomAD v4.1: 4 of 1,614,098 alleles (0.00025%); highest among the groups gnomAD compares: Non-Finnish European, 0.00025%; no homozygotes.

Submission:

Color Diagnostics, LLC DBA Color Health
Classification: Uncertain significance for Cardiomyopathy. Last evaluated: 2023-12-05. Review status: criteria provided, single submitter. Criteria: ACMG Guidelines, 2015. Collection method: clinical testing. Allele origin: germline.
Comment: This missense variant replaces glutamic acid with glycine at codon 1900 of the DSP protein. Computational prediction tools and conservation analyses suggest that this variant may have deleterious impact on protein structure and function. Splice site prediction tools suggest that this variant may not impact RNA splicing. To our knowledge, functional studies have not been performed for this variant. This variant has not been reported in individuals affected with cardiovascular disorders in the literature. This variant has not been identified in the general population by the Genome Aggregation Database (gnomAD). The available evidence is insufficient to determine the role of this variant in disease conclusively. Therefore, this variant is classified as a Variant of Uncertain Significance.

NM_004415.4(DSP):c.5699A>G (p.Glu1900Gly)

Gene: DSP (desmoplakin; plus strand). Cytogenetic location: 6p24.3.
Variant type: single nucleotide variant.
Coding change: c.5699A>G on transcript NM_004415.4 (MANE Select); coding-DNA position 5699, A replaced by G.
Protein change: p.Glu1900Gly; replaces glutamic acid 1900 with glycine.
Molecular consequence: missense variant.
Genome position (GRCh38, 1-based): chr6:7,582,961, A>G. VCF-style: chr6-7582961-A-G. GRCh37 (hg19) VCF-style: chr6-7583194-A-G.
Other names: c.3902A>G, p.Glu1301Gly (NM_001008844.3); c.4370A>G, p.Glu1457Gly (NM_001319034.2); short protein forms E1301G, E1457G, E1900G.
Identifiers: ClinVar variation 920297 (VCV000920297.5), dbSNP rs1759492981, ClinGen allele CA362689218.
Genomic context (GRCh38, chr6:7,582,961, plus strand): 5'-AGATAGAATCGGAAAGAGAAAAGAGTGAGAGAGAGAAGAACAGTCTTAGGAGTGAGATCG[A>G]AAGACTCCAAGCAGAGATCAAGAGAATTGAAGAGAGGTGCAGGCGTAAGCTGGAGGATTC-3'
Protein context (NP_004406.2, residues 1890-1910): REKNSLRSEI[Glu1900Gly]RLQAEIKRIE